The following is an entry in ClinVar:

NM_004211.5(SLC6A5):c.916C>G (p.Leu306Val)

Gene: SLC6A5 (solute carrier family 6 member 5; plus strand). Cytogenetic location: 11p15.1.
Variant type: single nucleotide variant.
Coding change: c.916C>G on transcript NM_004211.5 (MANE Select); coding-DNA position 916, C replaced by G.
Protein change: p.Leu306Val; replaces leucine 306 with valine.
Molecular consequence: missense variant.
Genome position (GRCh38, 1-based): chr11:20,607,583, C>G. VCF-style: chr11-20607583-C-G. GRCh37 (hg19) VCF-style: chr11-20629129-C-G.
Other names: C916G; c.214C>G, p.Leu72Val (NM_001318369.2); short protein forms L306V, L72V.
Identifiers: ClinVar variation 5765 (VCV000005765.4), dbSNP rs121908496, ClinGen allele CA340456.

ClinVar aggregate classification (germline): Pathogenic. Review status: no assertion criteria provided (0 of 4 stars). 2 submissions from 2 submitters: Pathogenic (2). Last evaluated 2012-10-04.

Conditions:
Hyperekplexia 3 (HKPX3). Also called: HYPEREKPLEXIA 3, AUTOSOMAL RECESSIVE; HYPEREKPLEXIA 3, AUTOSOMAL DOMINANT. Identifiers: Orphanet 3197, MedGen C3553288, MONDO:0013827, OMIM 614618.

Submissions (2):

GeneReviews
Classification: Pathogenic for Hyperekplexia. Last evaluated: 2012-10-04. Review status: no assertion criteria provided. Collection method: curation. Allele origin: unknown.
ClinVar note: Converted during submission from pathologic to Pathogenic.

OMIM
Classification: Pathogenic for HYPEREKPLEXIA 3, AUTOSOMAL RECESSIVE. Last evaluated: 2006-07-01. Review status: no assertion criteria provided. Collection method: literature only. Allele origin: germline.

Literature cited by the submitters: PubMed 16751771 (cited by OMIM).